The following is an entry in ClinVar:

ClinVar aggregate classification (germline): Uncertain significance. Review status: criteria provided, multiple submitters, no conflicts (2 of 4 stars). 3 submissions from 3 submitters: Uncertain significance (3). Last evaluated 2023-07-17.

Conditions:
Cardiovascular phenotype. Identifiers: MedGen CN230736.
Arrhythmogenic right ventricular dysplasia 9 (ARVD9). Also called: Arrhythmogenic Right Ventricular Dysplasia/Cardiomyopathy 9; ARRHYTHMOGENIC RIGHT VENTRICULAR DYSPLASIA, FAMILIAL, 9. Identifiers: MedGen C1836906, MONDO:0012180, OMIM 609040.

Submissions (3):

Victorian Clinical Genetics Services, Murdoch Childrens Research Institute
Classification: Uncertain significance for Arrhythmogenic right ventricular dysplasia 9. Last evaluated: 2023-07-17. Review status: criteria provided, single submitter. Criteria: ACMG Guidelines, 2015. Collection method: clinical testing. Allele origin: germline. Inheritance: Autosomal dominant inheritance.
Comment: Based on the classification scheme VCGS_Germline_v1.3.4, this variant is classified as VUS-3B. Following criteria are met: 0102 - Loss of function is a known mechanism of disease in this gene and is associated with arrhythmogenic right ventricular cardiomyopathy (ARVC) (MIM#609040). On the other hand, dominant-negative is the proposed mechanism for missense variants in this gene (PMID: 23183494, 24967631). (I) 0107 - This gene is associated with autosomal dominant disease. (I) 0112 - The condition associated with this gene has incomplete penetrance (PMID: 17010805, 23183494). (I) 0115 - Variants in this gene are known to have variable expressivity. (PMID: 17010805, 23183494). (I) 0200 - Variant is predicted to result in a missense amino acid change from glycine to glutamic acid. (I) 0251 - This variant is heterozygous. (I) 0301 - Variant is absent from gnomAD (both v2 and v3). (SP) 0501 - Missense variant consistently predicted to be damaging by multiple in silico tools or highly conserved with a major amino acid change. (SP) 0604 - Variant is not located in an established domain, motif, hotspot or informative constraint region. (I) 0705 - No comparable missense variants have previous evidence for pathogenicity. (I) 0809 - Previous evidence of pathogenicity for this variant is inconclusive. It has been classified as a VUS by a diagnostic laboratory in ClinVar. (I) 0905 - No published segregation evidence has been identified for this variant. (I) 1007 - No published functional evidence has been identified for this variant. (I) 1208 - Inheritance information for this variant is not currently available in this individual. (I) Legend: (SP) - Supporting pathogenic, (I) - Information, (SB) - Supporting benign

Blueprint Genetics
Classification: Uncertain significance. Last evaluated: 2022-04-12. Review status: criteria provided, single submitter. Criteria: ACMG Guidelines, 2015. Collection method: clinical testing. Allele origin: germline.

Ambry Genetics
Classification: Uncertain significance for Cardiovascular phenotype. Last evaluated: 2017-05-15. Review status: criteria provided, single submitter. Criteria: Ambry Variant Classification Scheme 2023. Collection method: clinical testing. Allele origin: germline.
Comment: The p.G330E variant (also known as c.989G>A), located in coding exon 3 of the PKP2 gene, results from a G to A substitution at nucleotide position 989. The glycine at codon 330 is replaced by glutamic acid, an amino acid with some similar properties. This amino acid position is highly conserved in available vertebrate species. In addition, the in silico prediction for this alteration is inconclusive. Since supporting evidence is limited at this time, the clinical significance of this alteration remains unclear.

Literature cited by the submitters: PubMed 17010805 (cited by Victorian Clinical Genetics Services, Murdoch Childrens Research Institute); PubMed 23183494 (cited by Victorian Clinical Genetics Services, Murdoch Childrens Research Institute); PubMed 24967631 (cited by Victorian Clinical Genetics Services, Murdoch Childrens Research Institute).

NM_001005242.3(PKP2):c.989G>A (p.Gly330Glu)

Gene: PKP2 (plakophilin 2; minus strand). Cytogenetic location: 12p11.21.
Variant type: single nucleotide variant.
Coding change: c.989G>A on transcript NM_001005242.3 (MANE Select); coding-DNA position 989, G replaced by A.
Protein change: p.Gly330Glu; replaces glycine 330 with glutamic acid.
Molecular consequence: missense variant.
Genome position (GRCh38, 1-based): chr12:32,877,891, C>T on the plus strand (G>A on the coding strand, the complement: PKP2 is on the minus strand). VCF-style: chr12-32877891-C-T. GRCh37 (hg19) VCF-style: chr12-33030825-C-T.
Other names: c.989G>A, p.Gly330Glu (NM_004572.4); short protein forms G330E.
Identifiers: ClinVar variation 518654 (VCV000518654.7), dbSNP rs373041797, ClinGen allele CA384361784.
Genomic context (GRCh38, chr12:32,877,891, plus strand): 5'-CAGGAGGGGACTTACCCCAGCTGGGAGTCAGTGAAAGTGCTTCTCTCAGTGAGCAGATTC[C>T]CACTTCCCCCTGCGGCCGCCTGGCCGACAGTCAAGTGCGCTCTCCTCCCGCTGGAATCCA-3'
Protein context (NP_001005242.2, residues 320-340): TVGQAAAGGS[Gly330Glu]NLLTERSTFT